The following is an entry in ClinVar:

NM_002356.7(MARCKS):c.426C>A (p.Ala142=)

Gene: MARCKS (myristoylated alanine rich protein kinase C substrate; plus strand). Cytogenetic location: 6q21.
Variant type: single nucleotide variant.
Coding change: c.426C>A on transcript NM_002356.7 (MANE Select); coding-DNA position 426, C replaced by A.
Protein change: p.Ala142=; no amino-acid change (alanine 142 retained).
Molecular consequence: synonymous variant.
Genome position (GRCh38, 1-based): chr6:113,860,006, C>A. VCF-style: chr6-113860006-C-A. GRCh37 (hg19) VCF-style: chr6-114181182-C-A.
Identifiers: ClinVar variation 4823138 (VCV004823138.4).

ClinVar aggregate classification (germline): Likely benign (1 of 4 stars; one submission).

Submission:

CeGaT Center for Human Genetics Tuebingen
Classification: Likely benign. Last evaluated: 2026-02-01. Review status: criteria provided, single submitter. Criteria: CeGaT Center For Human Genetics Tuebingen Variant Classification Criteria Version 2. Collection method: clinical testing. Allele origin: germline. Affected: yes. Observed: 1 variant allele.
Comment: MARCKS: PM2:Supporting, BP4, BP7